The following is an entry in ClinVar:

NM_004336.5(BUB1):c.2027T>C (p.Leu676Pro)

Gene: BUB1 (BUB1 mitotic checkpoint serine/threonine kinase; minus strand). Cytogenetic location: 2q13.
Variant type: single nucleotide variant.
Coding change: c.2027T>C on transcript NM_004336.5 (MANE Select); coding-DNA position 2027, T replaced by C.
Protein change: p.Leu676Pro; replaces leucine 676 with proline.
Molecular consequence: missense variant.
Genome position (GRCh38, 1-based): chr2:110,650,722, A>G on the plus strand (T>C on the coding strand, the complement: BUB1 is on the minus strand). VCF-style: chr2-110650722-A-G. GRCh37 (hg19) VCF-style: chr2-111408299-A-G.
Other names: c.1967T>C, p.Leu656Pro (NM_001278616.2); c.2027T>C, p.Leu676Pro (NM_001278617.2); short protein forms L676P, L656P.
Identifiers: ClinVar variation 3262180 (VCV003262180.1).

ClinVar aggregate classification (germline): Uncertain significance (1 of 4 stars; one submission).

Submission:

Ambry Genetics
Classification: Uncertain significance. Last evaluated: 2024-06-24. Review status: criteria provided, single submitter. Criteria: Ambry Variant Classification Scheme 2023. Collection method: clinical testing. Allele origin: germline.
Comment: The p.L676P variant (also known as c.2027T>C), located in coding exon 18 of the BUB1 gene, results from a T to C substitution at nucleotide position 2027. The leucine at codon 676 is replaced by proline, an amino acid with similar properties. This amino acid position is conserved. In addition, this alteration is predicted to be tolerated by in silico analysis. Based on the available evidence, the clinical significance of this variant remains unclear.